The following is an entry in ClinVar:

NM_005378.6(MYCN):c.963dup (p.Arg322fs)

Gene: MYCN (MYCN proto-oncogene, bHLH transcription factor; plus strand). Cytogenetic location: 2p24.3.
Variant type: Duplication.
Coding change: c.963dup on transcript NM_005378.6 (MANE Select); coding-DNA position 963, one base duplicated (A; older notation c.963dupA).
Protein change: p.Arg322fs; shifts the reading frame from arginine 322.
Molecular consequence: frameshift variant. On other transcripts: 3 prime UTR variant (1).
Genome position (GRCh38, 1-based): chr2:15,945,665, A duplicated; the last of 3 consecutive A bases (chr2:15,945,663-15,945,665); duplicating any one gives the same sequence. VCF-style (leftmost placement, unchanged base first): chr2-15945662-C-CA. GRCh37 (hg19) VCF-style: chr2-16085784-C-CA.
Other names: c.963dup, p.Arg322fs (NM_001293228.2); c.330dup, p.Arg111fs (NM_001293231.2); c.*898dup (NM_001293233.2); short protein forms R111fs, R322fs.
Identifiers: ClinVar variation 1331605 (VCV001331605.4), dbSNP rs2103330798, ClinGen allele CA2573051678.

ClinVar aggregate classification (germline): Likely pathogenic (1 of 4 stars; one submission).

Submission:

Greenwood Genetic Center Diagnostic Laboratories, Greenwood Genetic Center
Classification: Likely pathogenic. Last evaluated: 2021-03-09. Review status: criteria provided, single submitter. Criteria: ACMG Guidelines, 2015. Collection method: clinical testing. Allele origin: germline. Affected: yes.
Comment: PVS1, PM2